The following is an entry in ClinVar:

ClinVar aggregate classification (germline): Likely benign. Review status: criteria provided, multiple submitters, no conflicts (2 of 4 stars). 2 submissions from 2 submitters: Likely benign (2). Last evaluated 2024-02-01.

Allele frequency attached by ClinVar (database versions not stated): gnomAD 0.00006.
gnomAD v4.1: 35 of 1,561,404 alleles (0.0022%); highest among the groups gnomAD compares: African/African-American, 0.007%; no homozygotes.

Submissions (2):

CeGaT Center for Human Genetics Tuebingen
Classification: Likely benign. Last evaluated: 2024-02-01. Review status: criteria provided, single submitter. Criteria: CeGaT Center For Human Genetics Tuebingen Variant Classification Criteria Version 2. Collection method: clinical testing. Allele origin: germline. Affected: yes. Observed: 1 variant allele.
Comment: SMOC1: BP4, BP7

Labcorp Genetics (formerly Invitae), Labcorp
Classification: Likely benign. Last evaluated: 2023-05-11. Review status: criteria provided, single submitter. Criteria: Invitae Variant Classification Sherloc (09022015). Collection method: clinical testing. Allele origin: germline.

NM_001034852.3(SMOC1):c.882C>T (p.Ser294=)

Genes: SMOC1 (SPARC related modular calcium binding 1; plus strand), LOC126861980 (MED14-independent group 3 enhancer GRCh37_chr14:70477330-70478529; plus strand). Cytogenetic location: 14q24.2.
Variant type: single nucleotide variant.
Coding change: c.882C>T on transcript NM_001034852.3 (MANE Select); coding-DNA position 882, C replaced by T.
Protein change: p.Ser294=; no amino-acid change (serine 294 retained).
Molecular consequence: synonymous variant.
Genome position (GRCh38, 1-based): chr14:70,011,509, C>T. VCF-style: chr14-70011509-C-T. GRCh37 (hg19) VCF-style: chr14-70478226-C-T.
Other names: c.915C>T, p.Ser305= (NM_001425244.1, NM_001425245.1); c.882C>T, p.Ser294= (NM_022137.6).
Identifiers: ClinVar variation 2915199 (VCV002915199.25), dbSNP rs761484363, ClinGen allele CA7246645.